The following is an entry in ClinVar:

NM_000090.4(COL3A1):c.2135C>T (p.Pro712Leu)

Gene: COL3A1 (collagen type III alpha 1 chain; plus strand). Cytogenetic location: 2q32.2.
Variant type: single nucleotide variant.
Coding change: c.2135C>T on transcript NM_000090.4 (MANE Select); coding-DNA position 2135, C replaced by T.
Protein change: p.Pro712Leu; replaces proline 712 with leucine.
Molecular consequence: missense variant.
Genome position (GRCh38, 1-based): chr2:188,999,483, C>T. VCF-style: chr2-188999483-C-T. GRCh37 (hg19) VCF-style: chr2-189864209-C-T.
Other names: short protein forms P712L.
Identifiers: ClinVar variation 218425 (VCV000218425.14), dbSNP rs780028064, ClinGen allele CA075033.

ClinVar aggregate classification (germline): Uncertain significance. Review status: criteria provided, multiple submitters, no conflicts (2 of 4 stars). 3 submissions from 3 submitters: Uncertain significance (3). Last evaluated 2023-12-05.

Conditions:
Familial thoracic aortic aneurysm and aortic dissection (TAAD). Also called: Thoracic aortic aneurysms and dissections. Identifiers: Orphanet 91387, MedGen C4707243, MONDO:0019625.
Ehlers-Danlos syndrome, type 4 (EDSVASC). Also called: Ehlers-Danlos syndrome vascular type; Ehlers Danlos syndrome, ecchymotic type; Ehlers Danlos syndrome, arterial type; Ehlers Danlos syndrome, Sack-Barabas type; Ehlers-Danlos Syndrome Type IV. Identifiers: Orphanet 286, MedGen C0268338, MONDO:0017314, OMIM 130050.

Allele frequency attached by ClinVar (database versions not stated): gnomAD exomes below 0.00001; ExAC 0.00001.

Submissions (3):

Color Diagnostics, LLC DBA Color Health
Classification: Uncertain significance for Familial thoracic aortic aneurysm and aortic dissection. Last evaluated: 2023-12-05. Review status: criteria provided, single submitter. Criteria: ACMG Guidelines, 2015. Collection method: clinical testing. Allele origin: germline.
Comment: This missense variant replaces proline with leucine at codon 712 of the COL3A1 protein. Computational prediction tools and conservation analyses are inconclusive regarding the impact of this variant on the protein function. Computational splicing tools suggest that this variant may not impact RNA splicing. To our knowledge, functional assays have not been performed for this variant nor has this variant been reported in individuals affected with cardiovascular disorders in the literature. This variant has been identified in 1/251094 chromosomes in the general population by the Genome Aggregation Database (gnomAD). Available evidence is insufficient to determine the role of this variant in disease conclusively. Therefore, this variant is classified as a Variant of Uncertain Significance.

Labcorp Genetics (formerly Invitae), Labcorp
Classification: Uncertain significance for Ehlers-Danlos syndrome, type 4. Last evaluated: 2022-02-22. Review status: criteria provided, single submitter. Criteria: Invitae Variant Classification Sherloc (09022015). Collection method: clinical testing. Allele origin: germline.
Comment: This variant is present in population databases (rs780028064, gnomAD 0.0009%). This sequence change replaces proline, which is neutral and non-polar, with leucine, which is neutral and non-polar, at codon 712 of the COL3A1 protein (p.Pro712Leu). This variant has not been reported in the literature in individuals affected with COL3A1-related conditions. ClinVar contains an entry for this variant (Variation ID: 218425). Advanced modeling of protein sequence and biophysical properties (such as structural, functional, and spatial information, amino acid conservation, physicochemical variation, residue mobility, and thermodynamic stability) performed at Invitae indicates that this missense variant is not expected to disrupt COL3A1 protein function. In summary, the available evidence is currently insufficient to determine the role of this variant in disease. Therefore, it has been classified as a Variant of Uncertain Significance.

Genomic Diagnostic Laboratory, Division of Genomic Diagnostics, Children's Hospital of Philadelphia
Classification: Uncertain significance for Ehlers-Danlos syndrome, type 4. Last evaluated: 2015-02-19. Review status: criteria provided, single submitter. Criteria: DGD Variant Analysis Guidelines. Collection method: clinical testing. Allele origin: unknown.